The following is an entry in ClinVar:

NM_006767.4(LZTR1):c.179G>A (p.Cys60Tyr)

Gene: LZTR1 (leucine zipper like post translational regulator 1; plus strand). Cytogenetic location: 22q11.21.
Variant type: single nucleotide variant.
Coding change: c.179G>A on transcript NM_006767.4 (MANE Select); coding-DNA position 179, G replaced by A.
Protein change: p.Cys60Tyr; replaces cysteine 60 with tyrosine.
Molecular consequence: missense variant.
Genome position (GRCh38, 1-based): chr22:20,982,550, G>A. VCF-style: chr22-20982550-G-A. GRCh37 (hg19) VCF-style: chr22-21336839-G-A.
Other names: short protein forms C60Y.
Identifiers: ClinVar variation 4050878 (VCV004050878.1).

ClinVar aggregate classification (germline): Uncertain significance (1 of 4 stars; one submission).

Conditions:
Cardiovascular phenotype. Identifiers: MedGen CN230736.
Hereditary cancer-predisposing syndrome. Also called: Neoplastic Syndromes, Hereditary; Tumor predisposition; Hereditary neoplastic syndrome; Hereditary Cancer Syndrome. Identifiers: Orphanet 140162, MedGen C0027672, MeSH D009386, MONDO:0015356.

Submission:

Ambry Genetics
Classification: Uncertain significance for Cardiovascular phenotype; Hereditary cancer-predisposing syndrome. Last evaluated: 2025-06-08. Review status: criteria provided, single submitter. Criteria: Ambry Variant Classification Scheme 2023. Collection method: clinical testing. Allele origin: germline.
Comment: The p.C60Y variant (also known as c.179G>A), located in coding exon 1 of the LZTR1 gene, results from a G to A substitution at nucleotide position 179. The cysteine at codon 60 is replaced by tyrosine, an amino acid with highly dissimilar properties. This amino acid position is conserved. In addition, this alteration is predicted to be deleterious by in silico analysis. Based on the available evidence, the clinical significance of this variant remains unclear.